The following is an entry in ClinVar:

NM_013266.4(CTNNA3):c.1886C>T (p.Thr629Ile)

Genes: CTNNA3 (catenin alpha 3; minus strand), CTNNA3-AS1 (CTNNA3 antisense RNA 1; plus strand). Cytogenetic location: 10q21.3.
Variant type: single nucleotide variant.
Coding change: c.1886C>T on transcript NM_013266.4 (MANE Select); coding-DNA position 1886, C replaced by T.
Protein change: p.Thr629Ile; replaces threonine 629 with isoleucine.
Molecular consequence: missense variant.
Genome position (GRCh38, 1-based): chr10:66,103,248, G>A on the plus strand (C>T on the coding strand, the complement: CTNNA3 is on the minus strand). VCF-style: chr10-66103248-G-A. GRCh37 (hg19) VCF-style: chr10-67863006-G-A.
Other names: c.1886C>T, p.Thr629Ile (NM_001127384.3); short protein forms T629I.
Identifiers: ClinVar variation 4698002 (VCV004698002.1).

ClinVar aggregate classification (germline): Uncertain significance (1 of 4 stars; one submission).

Conditions:
Arrhythmogenic right ventricular dysplasia 13. Also called: Arrhythmogenic right ventricular dysplasia, familial, 13; ARRHYTHMOGENIC RIGHT VENTRICULAR CARDIOMYOPATHY 13. Identifiers: MedGen C3810138, MONDO:0000908, OMIM 615616.

Submission:

Labcorp Genetics (formerly Invitae), Labcorp
Classification: Uncertain significance for Arrhythmogenic right ventricular dysplasia 13. Last evaluated: 2025-03-26. Review status: criteria provided, single submitter. Criteria: Invitae Variant Classification Sherloc (09022015). Collection method: clinical testing. Allele origin: germline.
Comment: This sequence change replaces threonine, which is neutral and polar, with isoleucine, which is neutral and non-polar, at codon 629 of the CTNNA3 protein (p.Thr629Ile). This variant is not present in population databases (gnomAD no frequency). This variant has not been reported in the literature in individuals affected with CTNNA3-related conditions. Experimental studies and prediction algorithms are not available or were not evaluated, and the functional significance of this variant is currently unknown. In summary, the available evidence is currently insufficient to determine the role of this variant in disease. Therefore, it has been classified as a Variant of Uncertain Significance.